The following is an entry in ClinVar:

NM_000455.5(STK11):c.432_454dup (p.Gln152fs)

Gene: STK11 (serine/threonine kinase 11; plus strand). Cytogenetic location: 19p13.3.
Variant type: Duplication.
Coding change: c.432_454dup on transcript NM_000455.5 (MANE Select); coding-DNA positions 432 to 454, 23 bases duplicated (GGAGAAGCGTTTCCCAGTGTGCC).
Protein change: p.Gln152fs; shifts the reading frame from glutamine 152.
Molecular consequence: frameshift variant.
Genome position (GRCh38, 1-based): chr19:1,219,381-1,219,403, GGAGAAGCGTTTCCCAGTGTGCC duplicated; duplicating any 23 consecutive bases within chr19:1,219,376-1,219,403 gives the same sequence; the c. name uses the placement nearest the transcript's 3' end. VCF-style (leftmost placement, unchanged base first): chr19-1219375-C-CGTGCCGGAGAAGCGTTTCCCAGT. GRCh37 (hg19) VCF-style: chr19-1219374-C-CGTGCCGGAGAAGCGTTTCCCAGT.
Other names: c.432_454dup, p.Gln152Argfs (NM_001407255.1); short protein forms Q152fs.
Identifiers: ClinVar variation 2113260 (VCV002113260.4), dbSNP rs2512940396, ClinGen allele CA2580096039.
Genomic context (GRCh38, chr19:1,219,375, plus strand): 5'-GCGCCCCACGTATATGGTGATGGAGTACTGCGTGTGTGGCATGCAGGAAATGCTGGACAG[C>CGTGCCGGAGAAGCGTTTCCCAGT]GTGCCGGAGAAGCGTTTCCCAGTGTGCCAGGCCCACGGGTGCGTGCGCGGGGCAGGGGCC-3'

ClinVar aggregate classification (germline): Pathogenic (1 of 4 stars; one submission).

Conditions:
Peutz-Jeghers syndrome (PJS). Also called: POLYPOSIS, HAMARTOMATOUS INTESTINAL; POLYPS-AND-SPOTS SYNDROME; Peutz-Jeghers polyposis; Periorificial lentiginosis syndrome. Identifiers: Orphanet 2869, MedGen C0031269, MeSH D010580, MONDO:0008280, OMIM 175200.

Submission:

Labcorp Genetics (formerly Invitae), Labcorp
Classification: Pathogenic for Peutz-Jeghers syndrome. Last evaluated: 2022-03-22. Review status: criteria provided, single submitter. Criteria: Invitae Variant Classification Sherloc (09022015). Collection method: clinical testing. Allele origin: germline.
Comment: This sequence change creates a premature translational stop signal (p.Gln152Argfs*17) in the STK11 gene. It is expected to result in an absent or disrupted protein product. Loss-of-function variants in STK11 are known to be pathogenic (PMID: 15188174, 16287113). This variant is not present in population databases (gnomAD no frequency). This variant has not been reported in the literature in individuals affected with STK11-related conditions. For these reasons, this variant has been classified as Pathogenic. Algorithms developed to predict the effect of sequence changes on RNA splicing suggest that this variant may create or strengthen a splice site.

Literature cited by the submitters: PubMed 15188174; PubMed 16287113.